The following is an entry in ClinVar:

NM_003803.4(MYOM1):c.4752C>G (p.Ile1584Met)

Gene: MYOM1 (myomesin 1; minus strand). Cytogenetic location: 18p11.31.
Variant type: single nucleotide variant.
Coding change: c.4752C>G on transcript NM_003803.4 (MANE Select); coding-DNA position 4752, C replaced by G.
Protein change: p.Ile1584Met; replaces isoleucine 1584 with methionine.
Molecular consequence: missense variant.
Genome position (GRCh38, 1-based): chr18:3,071,846, G>C on the plus strand (C>G on the coding strand, the complement: MYOM1 is on the minus strand). VCF-style: chr18-3071846-G-C. GRCh37 (hg19) VCF-style: chr18-3071844-G-C.
Other names: c.4464C>G, p.Ile1488Met (NM_019856.2); short protein forms I1584M, I1488M.
Identifiers: ClinVar variation 575600 (VCV000575600.8), dbSNP rs1290988538, ClinGen allele CA401706299.
Genomic context (GRCh38, chr18:3,071,846, plus strand): 5'-CCTGTTCATAGTGCAGAAGGAGCAGGCACAGGCAGGCTTCATGCTTACCTTCCCCTCCTG[G>C]ATGGTGACCACGTCTGGGAGACCTCCCAACACCCGGGCACGATCTGCAAGCATAGGCATT-3'
Protein context (NP_003794.3, residues 1574-1594): VLGGLPDVVT[Ile1584Met]QEGKALNLTC

ClinVar aggregate classification (germline): Uncertain significance (1 of 4 stars; one submission).

Conditions:
Hypertrophic cardiomyopathy. Also called: HYPERTROPHIC MYOCARDIOPATHY. Identifiers: Orphanet 217569, MedGen C0007194, MeSH D002312, MONDO:0005045, HP:0001639.

Submission:

Labcorp Genetics (formerly Invitae), Labcorp
Classification: Uncertain significance for Hypertrophic cardiomyopathy. Last evaluated: 2018-02-13. Review status: criteria provided, single submitter. Criteria: Invitae Variant Classification Sherloc (09022015). Collection method: clinical testing. Allele origin: germline.
Comment: In summary, the available evidence is currently insufficient to determine the role of this variant in disease. Therefore, it has been classified as a Variant of Uncertain Significance. Algorithms developed to predict the effect of missense changes on protein structure and function do not agree on the potential impact of this missense change (SIFT: "Tolerated"; PolyPhen-2: "Probably Damaging"; Align-GVGD: "Class C0"). This variant has not been reported in the literature in individuals with MYOM1-related disease. This variant is not present in population databases (ExAC no frequency). This sequence change replaces isoleucine with methionine at codon 1584 of the MYOM1 protein (p.Ile1584Met). The isoleucine residue is moderately conserved and there is a small physicochemical difference between isoleucine and methionine.